The following is an entry in ClinVar:

NM_000163.5(GHR):c.*781T>A

Gene: GHR (growth hormone receptor; plus strand). Cytogenetic location: 5p12.
Variant type: single nucleotide variant.
Coding change: c.*781T>A on transcript NM_000163.5 (MANE Select); 781 bases downstream of the stop codon, T replaced by A.
Molecular consequence: 3 prime UTR variant.
Genome position (GRCh38, 1-based): chr5:42,720,205, T>A. VCF-style: chr5-42720205-T-A. GRCh37 (hg19) VCF-style: chr5-42720307-T-A.
Other names: c.*781T>A (NM_001242399.2, NM_001242400.2, NM_001242401.4 and 6 more transcripts); c.*1740T>A (NM_001242462.1).
Identifiers: ClinVar variation 353700 (VCV000353700.5), dbSNP rs17839374, ClinGen allele CA10624882.

ClinVar aggregate classification (germline): Benign (1 of 4 stars; one submission).

Conditions:
Laron-type isolated somatotropin defect. Also called: GROWTH HORMONE RECEPTOR DEFICIENCY; Laron Syndrome; Growth hormone binding protein deficiency or dysfunction; Growth hormone receptor deficiency or dysfunction; Laron dwarfism; Laron type pituitary dwarfism I. Identifiers: Orphanet 633, MedGen C0271568, MONDO:0009877, OMIM 262500.

Allele frequency attached by ClinVar (database versions not stated): gnomAD 0.01117 and 0.01803; TOPMed 0.01601; 1000 Genomes Project 30x 0.07089; 1000 Genomes Project 0.07528.

Submission:

Illumina Laboratory Services, Illumina
Classification: Benign for Laron-type isolated somatotropin defect. Last evaluated: 2018-01-12. Review status: criteria provided, single submitter. Criteria: ICSL Variant Classification Criteria 13 December 2019. Collection method: clinical testing. Allele origin: germline.
Comment: This variant was observed in the ICSL laboratory as part of a predisposition screen in an ostensibly healthy population. It had not been previously curated by ICSL or reported in the Human Gene Mutation Database (HGMD: prior to June 1st, 2018), and was therefore a candidate for classification through an automated scoring system. Utilizing variant allele frequency, disease prevalence and penetrance estimates, and inheritance mode, an automated score was calculated to assess if this variant is too frequent to cause the disease. Based on the score and internal cut-off values, a variant classified as benign is not then subjected to further curation. The score for this variant resulted in a classification of benign for this disease.